The following is an entry in ClinVar:

NM_173551.5(ANKS6):c.1973-3C>G

Gene: ANKS6 (ankyrin repeat and sterile alpha motif domain containing 6; minus strand). Cytogenetic location: 9q22.33.
Variant type: single nucleotide variant.
Coding change: c.1973-3C>G on transcript NM_173551.5 (MANE Select); 3 bases into the intron before coding-DNA position 1973, C replaced by G.
Molecular consequence: intron variant.
Genome position (GRCh38, 1-based): chr9:98,768,253, G>C on the plus strand (C>G on the coding strand, the complement: ANKS6 is on the minus strand). VCF-style: chr9-98768253-G-C. GRCh37 (hg19) VCF-style: chr9-101530535-G-C.
Other names: IVS10AS, C-G, -3.
Identifiers: ClinVar variation 64356 (VCV000064356.43), dbSNP rs397514257, ClinGen allele CA144685.

ClinVar aggregate classification (germline): Pathogenic/Likely pathogenic. Review status: criteria provided, multiple submitters, no conflicts (2 of 4 stars). 4 submissions from 4 submitters: Pathogenic (2); Likely pathogenic (1). 1 of the submissions does not count toward it. Last evaluated 2021-02-02.

Conditions:
Nephronophthisis 16 (NPHP16). Identifiers: Orphanet 655, MedGen C3809320, MONDO:0014158, OMIM 615382.

Allele frequency attached by ClinVar (database versions not stated): ExAC 0.00002; TOPMed 0.00002; gnomAD 0.00003; gnomAD exomes 0.00003.
gnomAD v4.1: 64 of 1,613,750 alleles (0.004%); highest among the groups gnomAD compares: Non-Finnish European, 0.0045%; no homozygotes.

Submissions (4):

Institute of Human Genetics, University of Leipzig Medical Center
Classification: Pathogenic for Nephronophthisis 16. Last evaluated: 2021-02-02. Review status: criteria provided, single submitter. Criteria: ACMG Guidelines, 2015. Collection method: clinical testing. Allele origin: germline. Inheritance: Autosomal recessive inheritance. Affected: yes.
Comment: This variant affects the splice acceptor motive in intron 10 of the ANKS6 gene. RT-PCR showed exon skipping of exon 11 causing r.1973_2142del, p.Gly658Glufs*61. The variant was inherited paternally in two affected siblings. It was classified as Pathogenic based on PVS1_VeryStrong, PM2_Supporting, PM3_Moderate. The maternal allele carries the complex allele variant c.[934G>C; 938A>C], p.[(Ala312Pro);(Asp313Ala)].

CeGaT Center for Human Genetics Tuebingen
Classification: Pathogenic. Last evaluated: 2021-01-01. Review status: criteria provided, single submitter. Criteria: CeGaT Center For Human Genetics Tuebingen Variant Classification Criteria Version 2. Collection method: clinical testing. Allele origin: germline. Affected: yes. Observed: 1 variant allele.

GeneDx
Classification: Likely pathogenic. Last evaluated: 2017-11-06. Review status: criteria provided, single submitter. Criteria: GeneDx Variant Classification (06012015). Collection method: clinical testing. Allele origin: germline. Affected: yes.
Comment: The c.1973-3C>G variant in the ANKS6 gene has been reported previously in a homozygous state in an individual with infantile-onset polycystic kidney disease, aortic and pulmonary stenosis, and periportal liver fibrosis (Hoff et al., 2013). This variant damages the splice acceptor site in intron 10, and is expected to cause abnormal gene splicing. The c.1973-3C>G variant is not observed at a significant frequency in large population cohorts (Lek et al., 2016). We interpret c.1973-3C>G as a likely pathogenic variant.

OMIM
Classification: Pathogenic for NEPHRONOPHTHISIS 16. Last evaluated: 2013-08-01. Review status: no assertion criteria provided. Collection method: literature only. Allele origin: germline. Not counted in ClinVar's aggregate classification.

Literature cited by the submitters: PubMed 23793029 (cited by OMIM).